The following is an entry in ClinVar:

ClinVar aggregate classification (germline): Uncertain significance (1 of 4 stars; one submission).

Submission:

GeneDx
Classification: Uncertain significance. Last evaluated: 2025-09-10. Review status: criteria provided, single submitter. Criteria: GeneDx Variant Classification Process June 2021. Collection method: clinical testing. Allele origin: germline.
Comment: Not observed at significant frequency in large population cohorts (Internal data); In silico analysis supports a deleterious effect on protein structure/function; Has not been previously published as pathogenic or benign to our knowledge

NM_001021.6(RPS17):c.159_160delinsCC (p.Val54Leu)

Gene: RPS17 (ribosomal protein S17; minus strand). Cytogenetic location: 15q25.2.
Variant type: Indel.
Coding change: c.159_160delinsCC on transcript NM_001021.6 (MANE Select); coding-DNA positions 159 to 160, TG replaced by CC.
Protein change: p.Val54Leu; replaces valine 54 with leucine.
Molecular consequence: missense variant. On other transcripts: non-coding transcript variant (2).
Genome position (GRCh38, 1-based): chr15:82,538,981-82,538,982, CA replaced by GG on the plus strand (TG replaced by CC on the coding strand, the reverse complement: RPS17 is on the minus strand). VCF-style: chr15-82538981-CA-GG. GRCh37 (hg19) VCF-style: chr15-82823389-CA-GG.
Other names: short protein forms V54L.
Identifiers: ClinVar variation 3767740 (VCV003767740.2).